The following is an entry in ClinVar:

ClinVar aggregate classification (germline): Pathogenic (1 of 4 stars; one submission).

Conditions:
Rienhoff syndrome. Also called: LOEYS-DIETZ SYNDROME 5. Identifiers: MedGen C3810012, MONDO:0014262, OMIM 615582.

Submission:

Labcorp Genetics (formerly Invitae), Labcorp
Classification: Pathogenic for Rienhoff syndrome. Last evaluated: 2023-10-03. Review status: criteria provided, single submitter. Criteria: Invitae Variant Classification Sherloc (09022015). Collection method: clinical testing. Allele origin: germline.
Comment: This sequence change creates a premature translational stop signal (p.Lys407*) in the TGFB3 gene. While this is not anticipated to result in nonsense mediated decay, it is expected to disrupt the last 6 amino acid(s) of the TGFB3 protein. This variant is not present in population databases (gnomAD no frequency). This variant has not been reported in the literature in individuals affected with TGFB3-related conditions. ClinVar contains an entry for this variant (Variation ID: 857481). This variant disrupts a region of the TGFB3 protein in which other variant(s) (p.Cys409Tyr) have been determined to be pathogenic (PMID: 23824657). This suggests that this is a clinically significant region of the protein, and that variants that disrupt it are likely to be disease-causing. For these reasons, this variant has been classified as Pathogenic.

Literature cited by the submitters: PubMed 23824657.

NM_003239.5(TGFB3):c.1219A>T (p.Lys407Ter)

Gene: TGFB3 (transforming growth factor beta 3; minus strand). Cytogenetic location: 14q24.3.
Variant type: single nucleotide variant.
Coding change: c.1219A>T on transcript NM_003239.5 (MANE Select); coding-DNA position 1219, A replaced by T.
Protein change: p.Lys407Ter; replaces lysine 407 with a stop codon.
Molecular consequence: nonsense.
Genome position (GRCh38, 1-based): chr14:75,959,207, T>A on the plus strand (A>T on the coding strand, the complement: TGFB3 is on the minus strand). VCF-style: chr14-75959207-T-A. GRCh37 (hg19) VCF-style: chr14-76425550-T-A.
Other names: c.1219A>T, p.Lys407Ter (NM_001329939.2); short protein forms K407*.
Identifiers: ClinVar variation 857481 (VCV000857481.10), dbSNP rs1248127840, ClinGen allele CA390466646.
Genomic context (GRCh38, chr14:75,959,207, plus strand): 5'-TGGTGGTTCTCTCTCCCCTCTCTCTGTCGCACGTGGGGTCTCAGCTACATTTACAAGACT[T>A]CACCACCATGTTGGAGAGCTGCTCCACTTTGGGGGTCCTCCCAACATAGTACAGGATGGT-3'